The following is an entry in ClinVar:

NM_133433.4(NIPBL):c.2597T>C (p.Leu866Pro)

Gene: NIPBL (NIPBL cohesin loading factor; plus strand). Cytogenetic location: 5p13.2.
Variant type: single nucleotide variant.
Coding change: c.2597T>C on transcript NM_133433.4 (MANE Select); coding-DNA position 2597, T replaced by C.
Protein change: p.Leu866Pro; replaces leucine 866 with proline.
Molecular consequence: missense variant.
Genome position (GRCh38, 1-based): chr5:36,985,777, T>C. VCF-style: chr5-36985777-T-C. GRCh37 (hg19) VCF-style: chr5-36985879-T-C.
Other names: c.2597T>C, p.Leu866Pro (NM_015384.5); short protein forms L866P.
Identifiers: ClinVar variation 2920325 (VCV002920325.3), dbSNP rs542244170, ClinGen allele CA3236196.
Genomic context (GRCh38, chr5:36,985,777, plus strand): 5'-TGAGATCCTCTAGTAGAAATGAACATGGCATTAAATCTGATAGTTCAAAAACTGATAAAC[T>C]AGAACGAAAACACAGGCATGAATCAGGGGACTCAAGGGAAAGACCATCTTCTGGGGAACA-3'
Protein context (NP_597677.2, residues 856-876): IKSDSSKTDK[Leu866Pro]ERKHRHESGD

ClinVar aggregate classification (germline): Uncertain significance (1 of 4 stars; one submission).

Conditions:
Cornelia de Lange syndrome 1 (CDLS1). Also called: TYPUS DEGENERATIVUS AMSTELODAMENSIS; Brachmann de Lange syndrome; NIPBL-Related Cornelia de Lange Syndrome. Identifiers: Orphanet 199, MedGen C4551851, MONDO:0007387, OMIM 122470.

Allele frequency attached by ClinVar (database versions not stated): ExAC 0.00002; TOPMed 0.00003; gnomAD 0.00005; 1000 Genomes Project 30x 0.00016; 1000 Genomes Project 0.00020.
gnomAD v4.1: 15 of 1,613,370 alleles (0.00093%); highest among the groups gnomAD compares: African/African-American, 0.02%; no homozygotes.

Submission:

Labcorp Genetics (formerly Invitae), Labcorp
Classification: Uncertain significance for Cornelia de Lange syndrome 1. Last evaluated: 2023-03-25. Review status: criteria provided, single submitter. Criteria: Invitae Variant Classification Sherloc (09022015). Collection method: clinical testing. Allele origin: germline.
Comment: This sequence change replaces leucine, which is neutral and non-polar, with proline, which is neutral and non-polar, at codon 866 of the NIPBL protein (p.Leu866Pro). This variant is present in population databases (rs542244170, gnomAD 0.03%). This variant has not been reported in the literature in individuals affected with NIPBL-related conditions. Advanced modeling of protein sequence and biophysical properties (such as structural, functional, and spatial information, amino acid conservation, physicochemical variation, residue mobility, and thermodynamic stability) performed at Invitae indicates that this missense variant is not expected to disrupt NIPBL protein function. In summary, the available evidence is currently insufficient to determine the role of this variant in disease. Therefore, it has been classified as a Variant of Uncertain Significance.